The following is an entry in ClinVar:

ClinVar aggregate classification (germline): Likely benign. Review status: criteria provided, multiple submitters, no conflicts (2 of 4 stars). 3 submissions from 3 submitters: Likely benign (3). Last evaluated 2026-01-13.

Conditions:
Renal tubular acidosis with progressive nerve deafness. Also called: renal tubular acidosis, distal, 2, with progressive sensorineural hearing loss; Distal Renal Tubular Acidosis with Progressive Sensorineural Deafness; RTA WITH PROGRESSIVE NERVE DEAFNESS; RENAL TUBULAR ACIDOSIS, AUTOSOMAL RECESSIVE, WITH PROGRESSIVE NERVE DEAFNESS. Identifiers: MedGen C0403554, MONDO:0009968, OMIM 267300.

Allele frequency attached by ClinVar (database versions not stated): TOPMed 0.00004; gnomAD exomes 0.00005; ExAC 0.00006; gnomAD 0.00007 and 0.00008.
gnomAD v4.1: 76 of 1,610,482 alleles (0.0047%); highest among the groups gnomAD compares: Non-Finnish European, 0.0063%; no homozygotes.

Submissions (3):

Labcorp Genetics (formerly Invitae), Labcorp
Classification: Likely benign. Last evaluated: 2026-01-13. Review status: criteria provided, single submitter. Criteria: Invitae Variant Classification Sherloc (09022015). Collection method: clinical testing. Allele origin: germline.

Fulgent Genetics
Classification: Likely benign for Renal tubular acidosis with progressive nerve deafness. Last evaluated: 2022-01-17. Review status: criteria provided, single submitter. Criteria: ACMG Guidelines, 2015. Collection method: clinical testing. Allele origin: unknown.

Laboratory for Molecular Medicine, Mass General Brigham Personalized Medicine
Classification: Likely benign. Last evaluated: 2016-11-23. Review status: criteria provided, single submitter. Criteria: LMM Criteria. Collection method: clinical testing. Allele origin: germline. Observed: 1 variant allele.
Comment: p.Thr511Thr in exon 14 of ATP6V1B1: This variant is not expected to have clinica l significance because it does not alter an amino acid residue and is not locate d within the splice consensus sequence. It has been identified in 7/63224 Europe an chromosomes by the Exome Aggregation Consortium (ExAC; dbSNP rs782329243).

NM_001692.4(ATP6V1B1):c.1533T>C (p.Thr511=)

Gene: ATP6V1B1 (ATPase H+ transporting V1 subunit B1; plus strand). Cytogenetic location: 2p13.3.
Variant type: single nucleotide variant.
Coding change: c.1533T>C on transcript NM_001692.4 (MANE Select); coding-DNA position 1533, T replaced by C.
Protein change: p.Thr511=; no amino-acid change (threonine 511 retained).
Molecular consequence: synonymous variant.
Genome position (GRCh38, 1-based): chr2:70,965,112, T>C. VCF-style: chr2-70965112-T-C. GRCh37 (hg19) VCF-style: chr2-71192242-T-C.
Identifiers: ClinVar variation 505442 (VCV000505442.14), dbSNP rs782329243, ClinGen allele CA1701387.